The following is an entry in ClinVar:

ClinVar aggregate classification (germline): Pathogenic (1 of 4 stars; one submission).

Conditions:
STAT3 gain of function. Identifiers: MedGen C4288261.
Hyper-IgE recurrent infection syndrome 1, autosomal dominant. Also called: Job's Syndrome; STAT3 Hyper IgE Syndrome; Hyper-IgE recurrent infection syndrome 1; HYPER-IgE SYNDROME 1, AUTOSOMAL DOMINANT, WITH RECURRENT INFECTIONS; JOB SYNDROME. Identifiers: Orphanet 2314, MedGen C2936739, MONDO:0007818, OMIM 147060.

Submission:

Labcorp Genetics (formerly Invitae), Labcorp
Classification: Pathogenic for STAT3 gain of function; Hyper-IgE recurrent infection syndrome 1, autosomal dominant. Last evaluated: 2022-09-07. Review status: criteria provided, single submitter. Criteria: Invitae Variant Classification Sherloc (09022015). Collection method: clinical testing. Allele origin: germline.
Comment: This missense change has been observed in individual(s) with STAT3-related conditions (PMID: 33365035, 33717144; Invitae). In at least one individual the variant was observed to be de novo. For these reasons, this variant has been classified as Pathogenic. Advanced modeling of protein sequence and biophysical properties (such as structural, functional, and spatial information, amino acid conservation, physicochemical variation, residue mobility, and thermodynamic stability) performed at Invitae indicates that this missense variant is expected to disrupt STAT3 protein function. ClinVar contains an entry for this variant (Variation ID: 476197). This variant is not present in population databases (gnomAD no frequency). This sequence change replaces methionine, which is neutral and non-polar, with lysine, which is basic and polar, at codon 329 of the STAT3 protein (p.Met329Lys).

Literature cited by the submitters: PubMed 33365035; PubMed 33717144.

NM_139276.3(STAT3):c.986T>A (p.Met329Lys)

Gene: STAT3 (signal transducer and activator of transcription 3; minus strand). Cytogenetic location: 17q21.2.
Variant type: single nucleotide variant.
Coding change: c.986T>A on transcript NM_139276.3 (MANE Select); coding-DNA position 986, T replaced by A.
Protein change: p.Met329Lys; replaces methionine 329 with lysine.
Molecular consequence: missense variant.
Genome position (GRCh38, 1-based): chr17:42,333,736, A>T on the plus strand (T>A on the coding strand, the complement: STAT3 is on the minus strand). VCF-style: chr17-42333736-A-T. GRCh37 (hg19) VCF-style: chr17-40485754-A-T.
Other names: c.986T>A, p.Met329Lys (NM_001369512.1, NM_001369513.1, NM_001369514.1 and 15 more transcripts); c.908T>A, p.Met303Lys (NM_001384985.1); c.890T>A, p.Met297Lys (NM_001384989.1); short protein forms M329K, M297K, M303K.
Identifiers: ClinVar variation 476197 (VCV000476197.12), dbSNP rs1555566820, ClinGen allele CA399590725.